The following is an entry in ClinVar:

NM_001130987.2(DYSF):c.3173G>A (p.Arg1058Gln)

Gene: DYSF (dysferlin; plus strand). Cytogenetic location: 2p13.2.
Variant type: single nucleotide variant.
Coding change: c.3173G>A on transcript NM_001130987.2 (MANE Select); coding-DNA position 3173, G replaced by A.
Protein change: p.Arg1058Gln; replaces arginine 1058 with glutamine.
Molecular consequence: missense variant.
Genome position (GRCh38, 1-based): chr2:71,570,686, G>A. VCF-style: chr2-71570686-G-A. GRCh37 (hg19) VCF-style: chr2-71797816-G-A.
Other names: NM_001130987.2(DYSF):c.3173G>A; p.Arg1058Gln; c.3122G>A, p.Arg1041Gln (NM_001130455.2, NM_001130983.2); c.3077G>A, p.Arg1026Gln (NM_001130976.2, NM_001130977.2); c.3119G>A, p.Arg1040Gln (NM_001130978.2, NM_003494.4); c.3212G>A, p.Arg1071Gln (NM_001130979.2); c.3170G>A, p.Arg1057Gln (NM_001130980.2, NM_001130981.2); c.3215G>A, p.Arg1072Gln (NM_001130982.2); and 2 more; short protein forms R1040Q, R1058Q, R1041Q, R1072Q, R1071Q, R1026Q, R1027Q, R1057Q.
Identifiers: ClinVar variation 597829 (VCV000597829.13), dbSNP rs372226487, ClinGen allele CA1706453.

ClinVar aggregate classification (germline): Uncertain significance. Review status: reviewed by expert panel (3 of 4 stars). 4 submissions from 4 submitters: Uncertain significance (1). 3 of the submissions do not count toward it. Last evaluated 2026-01-23.

Conditions:
Autosomal recessive limb-girdle muscular dystrophy. Identifiers: Orphanet 102015, MedGen C2931907, MONDO:0015152.
Neuromuscular disease caused by qualitative or quantitative defects of dysferlin. Also called: Dysferlinopathy; Qualitative or quantitative defects of dysferlin. Identifiers: Orphanet 207073, MedGen C2931687, MONDO:0016145.

Allele frequency attached by ClinVar (database versions not stated): gnomAD exomes 0.00003 and 0.00005; TOPMed 0.00008; gnomAD 0.00004 and 0.00006; ESP Exome Variant Server 0.00008; ExAC 0.00008.
gnomAD v4.1: 59 of 1,614,078 alleles (0.0037%); highest among the groups gnomAD compares: Middle Eastern, 0.017%; no homozygotes.

Submissions (4):

ClinGen Limb Girdle Muscular Dystrophy Variant Curation Expert Panel, ClinGen
Classification: Uncertain significance for Autosomal recessive limb-girdle muscular dystrophy. Last evaluated: 2026-01-23. Review status: reviewed by expert panel. Criteria: ClinGen LGMD VCEP ACMG Specifications DYSF V2.0.0. Collection method: curation. Allele origin: germline. Inheritance: Autosomal recessive inheritance.
Comment: The NM_003494.4: c.3119G>A variant in DYSF, which is also known as NM_001130987.2:c.3173G>A p.(Arg1058Gln), is a missense variant predicted to cause substitution of arginine to glutamine at amino acid 1040, p.(Arg1040Gln). This variant has not been reported in individuals with suspected LGMD (PM3 not met). The filtering allele frequency of this variant is 0.0002426 in gnomAD v4.1.0 (upper threshold of the 95% CI of 11/75046 African/African American chromosomes) which is greater than the ClinGen LGMD VCEP threshold (<0.0001) (PM2_Supporting not met). The computational predictor REVEL gives a score of 0.81, which is above the LGMD VCEP threshold of ≥0.70, evidence that correlates with impact to DYSF function (PP3). Another missense variant at the same codon, NM_003494.4: c.3118C>T p.(Arg1040Trp), is classified as pathogenic for autosomal recessive limb girdle muscular dystrophy by the LGMD VCEP (PM5). In summary, this variant meets the criteria to be classified as a variant of uncertain significance for autosomal recessive limb-girdle muscular dystrophy based on the ACMG/AMP criteria applied, as specified by the ClinGen LGMD VCEP (specifications version 2.0.0; 01/23/2026): PP3, PM5.

Labcorp Genetics (formerly Invitae), Labcorp
Classification: Likely pathogenic for Neuromuscular disease caused by qualitative or quantitative defects of dysferlin. Last evaluated: 2025-10-02. Review status: criteria provided, single submitter. Criteria: Invitae Variant Classification Sherloc (09022015). Collection method: clinical testing. Allele origin: germline. Not counted in ClinVar's aggregate classification.
Comment: This sequence change replaces arginine, which is basic and polar, with glutamine, which is neutral and polar, at codon 1040 of the DYSF protein (p.Arg1040Gln). This variant is present in population databases (rs372226487, gnomAD 0.02%). This variant has not been reported in the literature in individuals affected with DYSF-related conditions. ClinVar contains an entry for this variant (Variation ID: 597829). Invitae Evidence Modeling of protein sequence and biophysical properties (such as structural, functional, and spatial information, amino acid conservation, physicochemical variation, residue mobility, and thermodynamic stability) indicates that this missense variant is expected to disrupt DYSF protein function with a positive predictive value of 95%. This variant disrupts the p.Arg1040 amino acid residue in DYSF. Other variant(s) that disrupt this residue have been determined to be pathogenic (PMID: 23406536, 27066573, 30919934). This suggests that this residue is clinically significant, and that variants that disrupt this residue are likely to be disease-causing. In summary, the currently available evidence indicates that the variant is pathogenic, but additional data are needed to prove that conclusively. Therefore, this variant has been classified as Likely Pathogenic.

Women's Health and Genetics/Laboratory Corporation of America, LabCorp
Classification: Uncertain significance. Last evaluated: 2025-05-23. Review status: criteria provided, single submitter. Criteria: LabCorp Variant Classification Summary - May 2015. Collection method: clinical testing. Allele origin: germline. Not counted in ClinVar's aggregate classification.
Comment: Variant summary: DYSF c.3119G>A (p.Arg1040Gln) results in a conservative amino acid change located in the Peroxin/Ferlin domain (IPR006614) of the encoded protein sequence. Algorithms developed to predict the effect of missense changes on protein structure and function are either unavailable or do not agree on the potential impact of this missense change. The variant allele was found at a frequency of 4.8e-05 in 250590 control chromosomes. This frequency is not significantly higher than estimated for a pathogenic variant in DYSF causing Limb-Girdle Muscular Dystrophy, Autosomal Recessive (4.8e-05 vs 0.0031), allowing no conclusion about variant significance. To our knowledge, no occurrence of c.3119G>A in individuals affected with Limb-Girdle Muscular Dystrophy, Autosomal Recessive and no experimental evidence demonstrating its impact on protein function have been reported. A different variant affecting the same codon has been classified as likely pathogenic/pathogenic by our lab (c.3118C>T, p.Arg1040Trp), supporting the critical relevance of codon 1040 to DYSF protein function. ClinVar contains an entry for this variant (Variation ID: 597829). Based on the evidence outlined above, the variant was classified as uncertain significance.

Eurofins Ntd Llc (ga)
Classification: Uncertain significance. Last evaluated: 2018-06-29. Review status: criteria provided, single submitter. Criteria: EGL ClinVar v180209 classification definitions. Collection method: clinical testing. Allele origin: germline. Observed: 1 variant allele, 1 heterozygote. Not counted in ClinVar's aggregate classification.

Literature cited by the submitters: PubMed 23406536 (cited by Labcorp Genetics (formerly Invitae), Labcorp); PubMed 27066573 (cited by Labcorp Genetics (formerly Invitae), Labcorp); PubMed 30919934 (cited by Labcorp Genetics (formerly Invitae), Labcorp).